The following is an entry in ClinVar:

NM_017739.4(POMGNT1):c.341T>C (p.Val114Ala)

Gene: POMGNT1 (protein O-linked mannose N-acetylglucosaminyltransferase 1 (beta 1,2-); minus strand). Cytogenetic location: 1p34.1.
Variant type: single nucleotide variant.
Coding change: c.341T>C on transcript NM_017739.4 (MANE Select); coding-DNA position 341, T replaced by C.
Protein change: p.Val114Ala; replaces valine 114 with alanine.
Molecular consequence: missense variant. On other transcripts: 5 prime UTR variant (1).
Genome position (GRCh38, 1-based): chr1:46,196,744, A>G on the plus strand (T>C on the coding strand, the complement: POMGNT1 is on the minus strand). VCF-style: chr1-46196744-A-G. GRCh37 (hg19) VCF-style: chr1-46662416-A-G.
Other names: c.341T>C, p.Val114Ala (NM_001243766.2, NM_001410783.1); c.275T>C, p.Val92Ala (NM_001290129.3); c.-89T>C (NM_001290130.2); short protein forms V114A, V92A.
Identifiers: ClinVar variation 1391179 (VCV001391179.6), dbSNP rs2148216895, ClinGen allele CA340191532.

ClinVar aggregate classification (germline): Uncertain significance (1 of 4 stars; one submission).

Conditions:
Autosomal recessive limb-girdle muscular dystrophy type 2O. Also called: Limb-Girdle Muscular Dystrophy Type 3C; MUSCULAR DYSTROPHY-DYSTROGLYCANOPATHY (LIMB-GIRDLE), TYPE C, 3; MUSCULAR DYSTROPHY-DYSTROGLYCANOPATHY, LIMB-GIRDLE, POMGNT1-RELATED. Identifiers: Orphanet 206564, MedGen C3150417, MONDO:0013161, OMIM 613157.
Muscular dystrophy-dystroglycanopathy (congenital with impaired intellectual development), type B, 3. Also called: MUSCULAR DYSTROPHY, CONGENITAL, POMGNT1-RELATED; Muscular dystrophy-dystroglycanopathy (congenital with intellectual disability), type B3. Identifiers: MedGen C3150412, MONDO:0013155, OMIM 613151.

Submission:

Labcorp Genetics (formerly Invitae), Labcorp
Classification: Uncertain significance for Autosomal recessive limb-girdle muscular dystrophy type 2O; Muscular dystrophy-dystroglycanopathy (congenital with impaired intellectual development), type B, 3. Last evaluated: 2022-11-22. Review status: criteria provided, single submitter. Criteria: Invitae Variant Classification Sherloc (09022015). Collection method: clinical testing. Allele origin: germline.
Comment: In summary, the available evidence is currently insufficient to determine the role of this variant in disease. Therefore, it has been classified as a Variant of Uncertain Significance. Algorithms developed to predict the effect of missense changes on protein structure and function (SIFT, PolyPhen-2, Align-GVGD) all suggest that this variant is likely to be disruptive. ClinVar contains an entry for this variant (Variation ID: 1391179). This variant has not been reported in the literature in individuals affected with POMGNT1-related conditions. This variant is not present in population databases (gnomAD no frequency). This sequence change replaces valine, which is neutral and non-polar, with alanine, which is neutral and non-polar, at codon 114 of the POMGNT1 protein (p.Val114Ala).